The following is an entry in ClinVar:

ClinVar aggregate classification (germline): Likely pathogenic (1 of 4 stars; one submission).

Allele frequency attached by ClinVar (database versions not stated): TOPMed below 0.00001.

Submission:

Labcorp Genetics (formerly Invitae), Labcorp
Classification: Likely pathogenic. Last evaluated: 2022-06-28. Review status: criteria provided, single submitter. Criteria: Invitae Variant Classification Sherloc (09022015). Collection method: clinical testing. Allele origin: germline.
Comment: This sequence change affects an acceptor splice site in intron 22 of the CCDC88C gene. It is expected to disrupt RNA splicing. Variants that disrupt the donor or acceptor splice site typically lead to a loss of protein function (PMID: 16199547), and loss-of-function variants in CCDC88C are known to be pathogenic (PMID: 23042809, 29225145). This variant is not present in population databases (gnomAD no frequency). This variant has not been reported in the literature in individuals affected with CCDC88C-related conditions. Algorithms developed to predict the effect of sequence changes on RNA splicing suggest that this variant may disrupt the consensus splice site. In summary, the currently available evidence indicates that the variant is pathogenic, but additional data are needed to prove that conclusively. Therefore, this variant has been classified as Likely Pathogenic.

Literature cited by the submitters: PubMed 16199547; PubMed 23042809; PubMed 29225145.

NM_001080414.4(CCDC88C):c.3967-1G>C

Gene: CCDC88C (coiled-coil domain containing 88C; minus strand). Cytogenetic location: 14q32.11.
Variant type: single nucleotide variant.
Coding change: c.3967-1G>C on transcript NM_001080414.4 (MANE Select); the canonical splice acceptor site of the intron before coding-DNA position 3967, G replaced by C.
Molecular consequence: splice acceptor variant.
Genome position (GRCh38, 1-based): chr14:91,294,319, C>G on the plus strand (G>C on the coding strand, the complement: CCDC88C is on the minus strand). VCF-style: chr14-91294319-C-G. GRCh37 (hg19) VCF-style: chr14-91760663-C-G.
Identifiers: ClinVar variation 2050861 (VCV002050861.1), dbSNP rs1890903910, ClinGen allele CA390617258.